The following is an entry in ClinVar:

ClinVar aggregate classification (germline): Uncertain significance (1 of 4 stars; one submission).

Conditions:
Marfan syndrome (MFS). Also called: FBN1-Related Marfan Syndrome; MARFAN SYNDROME, TYPE I; Marfan syndrome type 1; Marfan's syndrome; Marfan syndrome, classic. Identifiers: Orphanet 284963, Orphanet 558, MedGen C0024796, MONDO:0007947, OMIM 154700.
Familial thoracic aortic aneurysm and aortic dissection (TAAD). Also called: Thoracic aortic aneurysms and dissections. Identifiers: Orphanet 91387, MedGen C4707243, MONDO:0019625.

Submission:

Labcorp Genetics (formerly Invitae), Labcorp
Classification: Uncertain significance for Marfan syndrome; Familial thoracic aortic aneurysm and aortic dissection. Last evaluated: 2025-12-03. Review status: criteria provided, single submitter. Criteria: Invitae Variant Classification Sherloc (09022015). Collection method: clinical testing. Allele origin: germline.
Comment: This sequence change replaces glycine, which is neutral and non-polar, with arginine, which is basic and polar, at codon 2798 of the FBN1 protein (p.Gly2798Arg). This variant is not present in population databases (gnomAD no frequency). This variant has not been reported in the literature in individuals affected with FBN1-related conditions. Invitae Evidence Modeling of protein sequence and biophysical properties (such as structural, functional, and spatial information, amino acid conservation, physicochemical variation, residue mobility, and thermodynamic stability) indicates that this missense variant is expected to disrupt FBN1 protein function with a positive predictive value of 95%. In summary, the available evidence is currently insufficient to determine the role of this variant in disease. Therefore, it has been classified as a Variant of Uncertain Significance.

NM_000138.5(FBN1):c.8392G>C (p.Gly2798Arg)

Gene: FBN1 (fibrillin 1; minus strand). Cytogenetic location: 15q21.1.
Variant type: single nucleotide variant.
Coding change: c.8392G>C on transcript NM_000138.5 (MANE Select); coding-DNA position 8392, G replaced by C.
Protein change: p.Gly2798Arg; replaces glycine 2798 with arginine.
Molecular consequence: missense variant.
Genome position (GRCh38, 1-based): chr15:48,411,214, C>G on the plus strand (G>C on the coding strand, the complement: FBN1 is on the minus strand). VCF-style: chr15-48411214-C-G. GRCh37 (hg19) VCF-style: chr15-48703411-C-G.
Other names: c.8392G>C, p.Gly2798Arg (NM_001406716.1); short protein forms G2798R.
Identifiers: ClinVar variation 4789625 (VCV004789625.1).